The following is an entry in ClinVar:

NM_198578.4(LRRK2):c.4502G>A (p.Arg1501Gln)

Gene: LRRK2 (leucine rich repeat kinase 2; plus strand). Cytogenetic location: 12q12.
Variant type: single nucleotide variant.
Coding change: c.4502G>A on transcript NM_198578.4 (MANE Select); coding-DNA position 4502, G replaced by A.
Protein change: p.Arg1501Gln; replaces arginine 1501 with glutamine.
Molecular consequence: missense variant.
Genome position (GRCh38, 1-based): chr12:40,310,615, G>A. VCF-style: chr12-40310615-G-A. GRCh37 (hg19) VCF-style: chr12-40704417-G-A.
Other names: short protein forms R1501Q.
Identifiers: ClinVar variation 1741059 (VCV001741059.2), dbSNP rs904409907, ClinGen allele CA235358127.

ClinVar aggregate classification (germline): Uncertain significance (1 of 4 stars; one submission).

Conditions:
Inborn genetic diseases. Identifiers: MedGen C0950123, MeSH D030342.

Allele frequency attached by ClinVar (database versions not stated): gnomAD exomes 0.00001; TOPMed 0.00001; gnomAD 0.00002.
gnomAD v4.1: 20 of 1,612,010 alleles (0.0012%); highest among the groups gnomAD compares: African/African-American, 0.0054%; no homozygotes.

Submission:

Ambry Genetics
Classification: Uncertain significance for Inborn genetic diseases. Last evaluated: 2024-03-01. Review status: criteria provided, single submitter. Criteria: Ambry Variant Classification Scheme 2023. Collection method: clinical testing. Allele origin: germline.
Comment: The p.R1501Q variant (also known as c.4502G>A), located in coding exon 31 of the LRRK2 gene, results from a G to A substitution at nucleotide position 4502. The arginine at codon 1501 is replaced by glutamine, an amino acid with highly similar properties. This amino acid position is conserved. In addition, this alteration is predicted to be deleterious by in silico analysis. Since supporting evidence is limited at this time, the clinical significance of this alteration remains unclear.